The following is an entry in ClinVar:

ClinVar aggregate classification (germline): Pathogenic (1 of 4 stars; one submission).

Conditions:
Retinitis pigmentosa 25 (RP25). Identifiers: Orphanet 791, MedGen C1864446, MONDO:0011272, OMIM 602772.

Submission:

Myriad Genetics, Inc.
Classification: Pathogenic for Retinitis pigmentosa 25. Last evaluated: 2024-07-21. Review status: criteria provided, single submitter. Criteria: Myriad Autosomal Dominant, Autosomal Recessive and X-Linked Classification Criteria (2023). Collection method: clinical testing. Allele origin: unknown.
Comment: NM_001142800.1(EYS):c.2538C>A(C846*) is expected to be pathogenic in the context of retinitis pigmentosa, EYS-related. This variant is predicted to lead to an abnormal or absent protein product due to the creation of a premature termination codon in EYS, a gene where loss-of-function variants are known to be pathogenic. Please note: this variant was assessed in the context of healthy population screening.

NM_001142800.2(EYS):c.2538C>A (p.Cys846Ter)

Gene: EYS (EGF-like photoreceptor maintenance factor; minus strand). Cytogenetic location: 6q12.
Variant type: single nucleotide variant.
Coding change: c.2538C>A on transcript NM_001142800.2 (MANE Select); coding-DNA position 2538, C replaced by A.
Protein change: p.Cys846Ter; replaces cysteine 846 with a stop codon.
Molecular consequence: nonsense.
Genome position (GRCh38, 1-based): chr6:64,912,587, G>T on the plus strand (C>A on the coding strand, the complement: EYS is on the minus strand). VCF-style: chr6-64912587-G-T. GRCh37 (hg19) VCF-style: chr6-65622480-G-T.
Other names: c.2538C>A, p.Cys846Ter (NM_001292009.2); short protein forms C846*.
Identifiers: ClinVar variation 5013337 (VCV005013337.1).
Genomic context (GRCh38, chr6:64,912,587, plus strand): 5'-GCATGTTGAGTTGTTTCTGCAAGGGTTATGAAGTAGGTCACAAAGGTTATAGCGTTGGTG[G>T]CAAAATTGTCCAGTATAAAGGGGTGGGCACAGACATACAAATTGTCCAGGGATGGTAGAT-3'